The following is an entry in ClinVar:

NM_000038.6(APC):c.410T>G (p.Leu137Arg)

Gene: APC (APC regulator of Wnt signaling pathway; plus strand). Cytogenetic location: 5q22.2.
Variant type: single nucleotide variant.
Coding change: c.410T>G on transcript NM_000038.6 (MANE Select); coding-DNA position 410, T replaced by G.
Protein change: p.Leu137Arg; replaces leucine 137 with arginine.
Molecular consequence: missense variant. On other transcripts: 5 prime UTR variant (1).
Genome position (GRCh38, 1-based): chr5:112,767,378, T>G. VCF-style: chr5-112767378-T-G. GRCh37 (hg19) VCF-style: chr5-112103075-T-G.
Other names: c.410T>G, p.Leu137Arg (NM_001127510.3, NM_001354895.2, NM_001354896.2 and 2 more transcripts); c.440T>G, p.Leu147Arg (NM_001127511.3, NM_001354897.2, NM_001354902.2); c.335T>G, p.Leu112Arg (NM_001354898.2, NM_001354904.2); c.233T>G, p.Leu78Arg (NM_001354900.2, NM_001354901.2, NM_001354905.2); c.-626T>G (NM_001354906.2); short protein forms L137R, L78R, L112R, L147R.
Identifiers: ClinVar variation 961238 (VCV000961238.11), dbSNP rs1756476556, ClinGen allele CA16022219.

ClinVar aggregate classification (germline): Uncertain significance (1 of 4 stars; one submission).

Conditions:
Familial adenomatous polyposis 1 (FAP1). Also called: FAMILIAL ADENOMATOUS POLYPOSIS 1, ATTENUATED; POLYPOSIS, ADENOMATOUS INTESTINAL. Identifiers: MedGen C2713442, MONDO:0021056, OMIM 175100. Disease mechanism: loss of function.

Submission:

Labcorp Genetics (formerly Invitae), Labcorp
Classification: Uncertain significance for Familial adenomatous polyposis 1. Last evaluated: 2020-02-07. Review status: criteria provided, single submitter. Criteria: Invitae Variant Classification Sherloc (09022015). Collection method: clinical testing. Allele origin: germline.
Comment: In summary, the available evidence is currently insufficient to determine the role of this variant in disease. Therefore, it has been classified as a Variant of Uncertain Significance. Algorithms developed to predict the effect of sequence changes on RNA splicing suggest that this variant may create or strengthen a splice site, but this prediction has not been confirmed by published transcriptional studies. Algorithms developed to predict the effect of missense changes on protein structure and function are either unavailable or do not agree on the potential impact of this missense change (SIFT: "Tolerated"; PolyPhen-2: "Probably Damaging"; Align-GVGD: "Class C0"). This variant has not been reported in the literature in individuals with APC-related conditions. This variant is not present in population databases (ExAC no frequency). This sequence change replaces leucine with arginine at codon 137 of the APC protein (p.Leu137Arg). The leucine residue is highly conserved and there is a moderate physicochemical difference between leucine and arginine.